The following is an entry in ClinVar:

ClinVar aggregate classification (germline): Conflicting classifications of pathogenicity. Review status: criteria provided, conflicting classifications (1 of 4 stars). 2 submissions from 2 submitters: Uncertain significance (1); Likely benign (1). Last evaluated 2026-03-01.

Allele frequency attached by ClinVar (database versions not stated): gnomAD 0.00027; ESP Exome Variant Server 0.00062.
gnomAD v4.1: 664 of 1,613,872 alleles (0.041%); highest among the groups gnomAD compares: Non-Finnish European, 0.052%; no homozygotes.

Submissions (2):

CeGaT Center for Human Genetics Tuebingen
Classification: Likely benign. Last evaluated: 2026-03-01. Review status: criteria provided, single submitter. Criteria: CeGaT Center For Human Genetics Tuebingen Variant Classification Criteria Version 2. Collection method: clinical testing. Allele origin: germline. Affected: yes. Observed: 1 variant allele.
Comment: SCD5: BP4, BS2

Ambry Genetics
Classification: Uncertain significance. Last evaluated: 2021-07-20. Review status: criteria provided, single submitter. Criteria: Ambry Variant Classification Scheme 2023. Collection method: clinical testing. Allele origin: germline.

NM_001037582.3(SCD5):c.935G>A (p.Arg312Gln)

Gene: SCD5 (stearoyl-CoA desaturase 5; minus strand). Cytogenetic location: 4q21.22.
Variant type: single nucleotide variant.
Coding change: c.935G>A on transcript NM_001037582.3 (MANE Select); coding-DNA position 935, G replaced by A.
Protein change: p.Arg312Gln; replaces arginine 312 with glutamine.
Molecular consequence: missense variant.
Genome position (GRCh38, 1-based): chr4:82,631,385, C>T on the plus strand (G>A on the coding strand, the complement: SCD5 is on the minus strand). VCF-style: chr4-82631385-C-T. GRCh37 (hg19) VCF-style: chr4-83552538-C-T.
Other names: short protein forms R312Q.
Identifiers: ClinVar variation 2355519 (VCV002355519.6), dbSNP rs150319742, ClinGen allele CA2985599.